The following is an entry in ClinVar:

NM_000203.5(IDUA):c.509C>T (p.Ala170Val)

Gene: IDUA (alpha-L-iduronidase; plus strand). Cytogenetic location: 4p16.3.
Variant type: single nucleotide variant.
Coding change: c.509C>T on transcript NM_000203.5 (MANE Select); coding-DNA position 509, C replaced by T.
Protein change: p.Ala170Val; replaces alanine 170 with valine.
Molecular consequence: missense variant. On other transcripts: non-coding transcript variant (1).
Genome position (GRCh38, 1-based): chr4:1,001,483, C>T. VCF-style: chr4-1001483-C-T. GRCh37 (hg19) VCF-style: chr4-995271-C-T.
Other names: c.113C>T, p.Ala38Val (NM_001363576.1); short protein forms A170V, A38V.
Identifiers: ClinVar variation 2052353 (VCV002052353.1), dbSNP rs764394402, ClinGen allele CA2801971.
Genomic context (GRCh38, chr4:1,001,483, plus strand): 5'-GGCGAGATTCACCTGTGCTGGGGGGACAGCAAGGCTCCTCTGCAGGTAGGTACGGACTGG[C>T]GCATGTTTCCAAGTGGAACTTCGAGACGTGGAATGAGCCAGACCACCACGACTTTGACAA-3'
Protein context (NP_000194.2, residues 160-180): ARRYIGRYGL[Ala170Val]HVSKWNFETW

ClinVar aggregate classification (germline): Uncertain significance (1 of 4 stars; one submission).

Conditions:
Mucopolysaccharidosis type 1. Also called: IDUA deficiency; MPS I. Identifiers: Orphanet 579, MedGen C0023786, MONDO:0001586.

Allele frequency attached by ClinVar (database versions not stated): ExAC 0.00001.

Submission:

Labcorp Genetics (formerly Invitae), Labcorp
Classification: Uncertain significance for Mucopolysaccharidosis type 1. Last evaluated: 2022-06-15. Review status: criteria provided, single submitter. Criteria: Invitae Variant Classification Sherloc (09022015). Collection method: clinical testing. Allele origin: germline.
Comment: This sequence change replaces alanine, which is neutral and non-polar, with valine, which is neutral and non-polar, at codon 170 of the IDUA protein (p.Ala170Val). This variant is present in population databases (rs764394402, gnomAD 0.003%). This variant has not been reported in the literature in individuals affected with IDUA-related conditions. Advanced modeling of protein sequence and biophysical properties (such as structural, functional, and spatial information, amino acid conservation, physicochemical variation, residue mobility, and thermodynamic stability) performed at Invitae indicates that this missense variant is not expected to disrupt IDUA protein function. Algorithms developed to predict the effect of sequence changes on RNA splicing suggest that this variant may create or strengthen a splice site. In summary, the available evidence is currently insufficient to determine the role of this variant in disease. Therefore, it has been classified as a Variant of Uncertain Significance.